The following is an entry in ClinVar:

ClinVar aggregate classification (germline): Uncertain significance (1 of 4 stars; one submission).

Submission:

GeneDx
Classification: Uncertain significance. Last evaluated: 2022-10-06. Review status: criteria provided, single submitter. Criteria: GeneDx Variant Classification Process June 2021. Collection method: clinical testing. Allele origin: germline. Affected: yes.
Comment: Not observed at significant frequency in large population cohorts (gnomAD); In silico analysis supports that this missense variant does not alter protein structure/function; Has not been previously published as pathogenic or benign to our knowledge

NM_000368.5(TSC1):c.1866G>T (p.Arg622Ser)

Gene: TSC1 (TSC complex subunit 1; minus strand). Cytogenetic location: 9q34.13.
Variant type: single nucleotide variant.
Coding change: c.1866G>T on transcript NM_000368.5 (MANE Select); coding-DNA position 1866, G replaced by T.
Protein change: p.Arg622Ser; replaces arginine 622 with serine.
Molecular consequence: missense variant. On other transcripts: non-coding transcript variant (5).
Genome position (GRCh38, 1-based): chr9:132,905,712, C>A on the plus strand (G>T on the coding strand, the complement: TSC1 is on the minus strand). VCF-style: chr9-132905712-C-A. GRCh37 (hg19) VCF-style: chr9-135781099-C-A.
Other names: c.1863G>T, p.Arg621Ser (NM_001162426.2, NM_001406597.1, NM_001406598.1 and 6 more transcripts); c.1713G>T, p.Arg571Ser (NM_001162427.2, NM_001406610.1); c.1503G>T, p.Arg501Ser (NM_001362177.2, NM_001406614.1, NM_001406615.1 and 5 more transcripts); c.1866G>T, p.Arg622Ser (NM_001406592.1, NM_001406593.1, NM_001406594.1 and 7 more transcripts); c.1710G>T, p.Arg570Ser (NM_001406611.1, NM_001406612.1, NM_001406613.1); c.1500G>T, p.Arg500Ser (NM_001406620.1, NM_001406621.1, NM_001406622.1 and 2 more transcripts); c.915G>T, p.Arg305Ser (NM_001406626.1); c.912G>T, p.Arg304Ser (NM_001406627.1, NM_001406628.1); and 1 more; short protein forms R271S, R304S, R305S, R500S, R501S, R570S, R571S, R621S.
Identifiers: ClinVar variation 2497766 (VCV002497766.1), dbSNP rs2131817489, ClinGen allele CA375363065.